The following is an entry in ClinVar:

NM_001184.4(ATR):c.6719G>A (p.Ser2240Asn)

Gene: ATR (ATR checkpoint kinase; minus strand). Cytogenetic location: 3q23.
Variant type: single nucleotide variant.
Coding change: c.6719G>A on transcript NM_001184.4 (MANE Select); coding-DNA position 6719, G replaced by A.
Protein change: p.Ser2240Asn; replaces serine 2240 with asparagine.
Molecular consequence: missense variant.
Genome position (GRCh38, 1-based): chr3:142,466,502, C>T on the plus strand (G>A on the coding strand, the complement: ATR is on the minus strand). VCF-style: chr3-142466502-C-T. GRCh37 (hg19) VCF-style: chr3-142185344-C-T.
Other names: c.6527G>A, p.Ser2176Asn (NM_001354579.2); short protein forms S2176N, S2240N.
Identifiers: ClinVar variation 2587561 (VCV002587561.2), dbSNP rs765461897, ClinGen allele CA2649274.

ClinVar aggregate classification (germline): Uncertain significance (1 of 4 stars; one submission).

Conditions:
Inborn genetic diseases. Identifiers: MedGen C0950123, MeSH D030342.

Allele frequency attached by ClinVar (database versions not stated): gnomAD exomes below 0.00001; ExAC 0.00001; gnomAD 0.00001.
gnomAD v4.1: 8 of 1,613,558 alleles (0.0005%); highest among the groups gnomAD compares: South Asian, 0.0055%; no homozygotes.

Submission:

Ambry Genetics
Classification: Uncertain significance for Inborn genetic diseases. Last evaluated: 2023-07-05. Review status: criteria provided, single submitter. Criteria: Ambry Variant Classification Scheme 2023. Collection method: clinical testing. Allele origin: germline.
Comment: The p.S2240N variant (also known as c.6719G>A), located in coding exon 40 of the ATR gene, results from a G to A substitution at nucleotide position 6719. The serine at codon 2240 is replaced by asparagine, an amino acid with highly similar properties. This amino acid position is conserved. In addition, this alteration is predicted to be tolerated by in silico analysis. Since supporting evidence is limited at this time, the clinical significance of this alteration remains unclear.